The following is an entry in ClinVar:

ClinVar aggregate classification (germline): Likely benign. Review status: criteria provided, single submitter (1 of 4 stars). 2 submissions from 2 submitters: Likely benign (1). 1 of the submissions does not count toward it. Last evaluated 2025-02-14.

Conditions:
Inborn genetic diseases. Identifiers: MedGen C0950123, MeSH D030342.
SAMD9L-related disorder. Also called: SAMD9L-related disorders; SAMD9L-related condition.

Allele frequency attached by ClinVar (database versions not stated): gnomAD 0.00001; TOPMed 0.00001.
gnomAD v4.1: 41 of 1,612,466 alleles (0.0025%); highest among the groups gnomAD compares: Non-Finnish European, 0.0035%; no homozygotes.

Submissions (2):

Ambry Genetics
Classification: Likely benign for Inborn genetic diseases. Last evaluated: 2025-02-14. Review status: criteria provided, single submitter. Criteria: Ambry Variant Classification Scheme 2023. Collection method: clinical testing. Allele origin: germline.

PreventionGenetics, part of Exact Sciences
Classification: Likely benign for SAMD9L-related condition. Last evaluated: 2023-02-15. Review status: no assertion criteria provided. Collection method: clinical testing. Allele origin: germline. Not counted in ClinVar's aggregate classification.
Comment: This variant is classified as likely benign based on ACMG/AMP sequence variant interpretation guidelines (Richards et al. 2015 PMID: 25741868, with internal and published modifications).

NM_152703.5(SAMD9L):c.2859A>G (p.Thr953=)

Gene: SAMD9L (sterile alpha motif domain containing 9 like; minus strand). Cytogenetic location: 7q21.2.
Variant type: single nucleotide variant.
Coding change: c.2859A>G on transcript NM_152703.5 (MANE Select); coding-DNA position 2859, A replaced by G.
Protein change: p.Thr953=; no amino-acid change (threonine 953 retained).
Molecular consequence: synonymous variant.
Genome position (GRCh38, 1-based): chr7:93,133,113, T>C on the plus strand (A>G on the coding strand, the complement: SAMD9L is on the minus strand). VCF-style: chr7-93133113-T-C. GRCh37 (hg19) VCF-style: chr7-92762426-T-C.
Other names: c.2859A>G, p.Thr953= (NM_001303496.3, NM_001303497.3, NM_001303498.3 and 5 more transcripts); c.2859A>G (NM_152703.2).
Identifiers: ClinVar variation 3053650 (VCV003053650.3), dbSNP rs1384437382, ClinGen allele CA456628180.